The following is an entry in ClinVar:

ClinVar aggregate classification (germline): Pathogenic (1 of 4 stars; one submission).

Conditions:
Breast-ovarian cancer, familial, susceptibility to, 2 (BROVCA2). Also called: BRCA2 Hereditary Breast and Ovarian Cancer. Identifiers: Orphanet 145, MedGen C2675520, MONDO:0012933, OMIM 612555. Disease mechanism: loss of function.

Submission:

Myriad Genetics, Inc.
Classification: Pathogenic for Breast-ovarian cancer, familial, susceptibility to, 2. Last evaluated: 2023-12-19. Review status: criteria provided, single submitter. Criteria: Myriad Autosomal Dominant, Autosomal Recessive and X-Linked Classification Criteria (2023). Collection method: clinical testing. Allele origin: unknown.
Comment: This variant is considered pathogenic. This variant creates a frameshift predicted to result in premature protein truncation.

NM_000059.4(BRCA2):c.3222del (p.Ser1074fs)

Gene: BRCA2 (BRCA2 DNA repair associated; plus strand). Cytogenetic location: 13q13.1.
Variant type: Deletion.
Coding change: c.3222del on transcript NM_000059.4 (MANE Select); coding-DNA position 3222, one base deleted (T; older notation c.3222delT).
Protein change: p.Ser1074fs; shifts the reading frame from serine 1074.
Molecular consequence: frameshift variant. On other transcripts: non-coding transcript variant (1), intron variant (2).
Genome position (GRCh38, 1-based): chr13:32,337,577, T deleted. VCF-style (leftmost placement, unchanged base first): chr13-32337576-GT-G. GRCh37 (hg19) VCF-style: chr13-32911713-GT-G.
Other names: c.3222del, p.Ser1074fs (NM_001406719.1, NM_001406720.1); c.1909+4190del (NM_001406721.1); c.424+6547del (NM_001406722.1); short protein forms S1074fs.
Identifiers: ClinVar variation 3148247 (VCV003148247.1), dbSNP rs2548525476, ClinGen allele CA2825002125.